The following is an entry in ClinVar:

NM_032578.4(MYPN):c.1608_1610del (p.Glu536del)

Gene: MYPN (myopalladin; plus strand). Cytogenetic location: 10q21.3.
Variant type: Deletion.
Coding change: c.1608_1610del on transcript NM_032578.4 (MANE Select); coding-DNA positions 1608 to 1610, 3 bases deleted (GGA; older notation c.1608_1610delGGA).
Protein change: p.Glu536del; deletes glutamic acid 536.
Molecular consequence: inframe deletion. On other transcripts: inframe indel (1), non-coding transcript variant (2).
Genome position (GRCh38, 1-based): chr10:68,166,301-68,166,303, GGA deleted; deleting any 3 consecutive bases within chr10:68,166,299-68,166,303 gives the same sequence; the c. name uses the placement nearest the transcript's 3' end. VCF-style (leftmost placement, unchanged base first): chr10-68166298-TGAG-T. GRCh37 (hg19) VCF-style: chr10-69926055-TGAG-T.
Other names: c.1608_1610del, p.Glu536del (NM_001256267.2); c.726_728del, p.Glu242del (NM_001256268.2); c.1608_1610delGGA, p.Glu536del (NM_032578.3); short protein forms E242del, E536del.
Identifiers: ClinVar variation 3253051 (VCV003253051.1), dbSNP rs2495733627.

ClinVar aggregate classification (germline): Uncertain significance (1 of 4 stars; one submission).

Submission:

GeneDx
Classification: Uncertain significance. Last evaluated: 2023-12-15. Review status: criteria provided, single submitter. Criteria: GeneDx Variant Classification Process June 2021. Collection method: clinical testing. Allele origin: germline. Affected: yes.
Comment: Has not been previously published as pathogenic or benign to our knowledge; Not observed at significant frequency in large population cohorts (gnomAD); In silico analysis supports a deleterious effect on protein structure/function; In-frame deletion of 1 amino acids in a non-repeat region